The following is an entry in ClinVar:

NM_003482.4(KMT2D):c.976T>C (p.Cys326Arg)

Gene: KMT2D (lysine methyltransferase 2D; minus strand). Cytogenetic location: 12q13.12.
Variant type: single nucleotide variant.
Coding change: c.976T>C on transcript NM_003482.4 (MANE Select); coding-DNA position 976, T replaced by C.
Protein change: p.Cys326Arg; replaces cysteine 326 with arginine.
Molecular consequence: missense variant.
Genome position (GRCh38, 1-based): chr12:49,053,051, A>G on the plus strand (T>C on the coding strand, the complement: KMT2D is on the minus strand). VCF-style: chr12-49053051-A-G. GRCh37 (hg19) VCF-style: chr12-49446834-A-G.
Other names: short protein forms C326R.
Identifiers: ClinVar variation 2695993 (VCV002695993.3), dbSNP rs2120692872, ClinGen allele CA384678958.

ClinVar aggregate classification (germline): Uncertain significance (1 of 4 stars; one submission).

Conditions:
Kabuki syndrome. Also called: NIIKAWA-KUROKI SYNDROME; Kabuki make-up syndrome. Identifiers: Orphanet 2322, MedGen C0796004, MONDO:0016512.

Submission:

Labcorp Genetics (formerly Invitae), Labcorp
Classification: Uncertain significance for Kabuki syndrome. Last evaluated: 2023-11-24. Review status: criteria provided, single submitter. Criteria: Invitae Variant Classification Sherloc (09022015). Collection method: clinical testing. Allele origin: germline.
Comment: This sequence change replaces cysteine, which is neutral and slightly polar, with arginine, which is basic and polar, at codon 326 of the KMT2D protein (p.Cys326Arg). This variant is not present in population databases (gnomAD no frequency). This variant has not been reported in the literature in individuals affected with KMT2D-related conditions. Advanced modeling of protein sequence and biophysical properties (such as structural, functional, and spatial information, amino acid conservation, physicochemical variation, residue mobility, and thermodynamic stability) performed at Invitae indicates that this missense variant is expected to disrupt KMT2D protein function with a positive predictive value of 95%. In summary, the available evidence is currently insufficient to determine the role of this variant in disease. Therefore, it has been classified as a Variant of Uncertain Significance.